The following is an entry in ClinVar:

NM_207391.3(RGS9BP):c.194G>C (p.Arg65Pro)

Gene: RGS9BP (regulator of G protein signaling 9 binding protein; plus strand). Cytogenetic location: 19q13.11.
Variant type: single nucleotide variant.
Coding change: c.194G>C on transcript NM_207391.3 (MANE Select); coding-DNA position 194, G replaced by C.
Protein change: p.Arg65Pro; replaces arginine 65 with proline.
Molecular consequence: missense variant.
Genome position (GRCh38, 1-based): chr19:32,676,457, G>C. VCF-style: chr19-32676457-G-C. GRCh37 (hg19) VCF-style: chr19-33167363-G-C.
Other names: c.194G>C (NM_207391.2); short protein forms R65P.
Identifiers: ClinVar variation 1017901 (VCV001017901.7), dbSNP rs780684991, ClinGen allele CA9357514.

ClinVar aggregate classification (germline): Uncertain significance. Review status: criteria provided, multiple submitters, no conflicts (2 of 4 stars). 3 submissions from 3 submitters: Uncertain significance (3). Last evaluated 2024-08-20.

Allele frequency attached by ClinVar (database versions not stated): ExAC below 0.00001; TOPMed 0.00007.

Submissions (3):

Ambry Genetics
Classification: Uncertain significance. Last evaluated: 2024-08-20. Review status: criteria provided, single submitter. Criteria: Ambry Variant Classification Scheme 2023. Collection method: clinical testing. Allele origin: germline.

Blueprint Genetics
Classification: Uncertain significance. Last evaluated: 2022-09-16. Review status: criteria provided, single submitter. Criteria: ACMG Guidelines, 2015. Collection method: clinical testing. Allele origin: germline.

Labcorp Genetics (formerly Invitae), Labcorp
Classification: Uncertain significance. Last evaluated: 2022-08-15. Review status: criteria provided, single submitter. Criteria: Invitae Variant Classification Sherloc (09022015). Collection method: clinical testing. Allele origin: germline.
Comment: This sequence change replaces arginine, which is basic and polar, with proline, which is neutral and non-polar, at codon 65 of the RGS9BP protein (p.Arg65Pro). The frequency data for this variant in the population databases is considered unreliable, as metrics indicate poor data quality at this position in the gnomAD database. This variant has not been reported in the literature in individuals affected with RGS9BP-related conditions. ClinVar contains an entry for this variant (Variation ID: 1017901). Algorithms developed to predict the effect of missense changes on protein structure and function are either unavailable or do not agree on the potential impact of this missense change (SIFT: "Deleterious"; PolyPhen-2: "Possibly Damaging"; Align-GVGD: "Class C0"). In summary, the available evidence is currently insufficient to determine the role of this variant in disease. Therefore, it has been classified as a Variant of Uncertain Significance.